The following is an entry in ClinVar:

ClinVar aggregate classification (germline): Uncertain significance (1 of 4 stars; one submission).

Conditions:
Charcot-Marie-Tooth disease type 4. Also called: Charcot-Marie-Tooth, Type 4; Charcot-Marie-Tooth disease, type IV. Identifiers: Orphanet 64749, MedGen C4082197, MONDO:0018995.

Submission:

Labcorp Genetics (formerly Invitae), Labcorp
Classification: Uncertain significance for Charcot-Marie-Tooth disease type 4. Last evaluated: 2023-06-30. Review status: criteria provided, single submitter. Criteria: Invitae Variant Classification Sherloc (09022015). Collection method: clinical testing. Allele origin: germline.
Comment: This sequence change replaces aspartic acid, which is acidic and polar, with tyrosine, which is neutral and polar, at codon 700 of the FIG4 protein (p.Asp700Tyr). This variant is not present in population databases (gnomAD no frequency). This variant has not been reported in the literature in individuals affected with FIG4-related conditions. ClinVar contains an entry for this variant (Variation ID: 543422). An algorithm developed to predict the effect of missense changes on protein structure and function (PolyPhen-2) suggests that this variant is likely to be disruptive. In summary, the available evidence is currently insufficient to determine the role of this variant in disease. Therefore, it has been classified as a Variant of Uncertain Significance.

NM_014845.6(FIG4):c.2098G>T (p.Asp700Tyr)

Gene: FIG4 (FIG4 phosphoinositide 5-phosphatase; plus strand). Cytogenetic location: 6q21.
Variant type: single nucleotide variant.
Coding change: c.2098G>T on transcript NM_014845.6 (MANE Select); coding-DNA position 2098, G replaced by T.
Protein change: p.Asp700Tyr; replaces aspartic acid 700 with tyrosine.
Molecular consequence: missense variant.
Genome position (GRCh38, 1-based): chr6:109,789,595, G>T. VCF-style: chr6-109789595-G-T. GRCh37 (hg19) VCF-style: chr6-110110798-G-T.
Other names: short protein forms D700Y.
Identifiers: ClinVar variation 543422 (VCV000543422.8), dbSNP rs1554308483, ClinGen allele CA365232079.